The following is an entry in ClinVar:

ClinVar aggregate classification (germline): Conflicting classifications of pathogenicity. Review status: criteria provided, conflicting classifications (1 of 4 stars). 4 submissions from 4 submitters: Uncertain significance (1); Likely benign (3). Last evaluated 2026-03-01.

Conditions:
Spinocerebellar ataxia type 19/22 (SCA19). Also called: SPINOCEREBELLAR ATAXIA 19; SPINOCEREBELLAR ATAXIA 22. Identifiers: Orphanet 98772, MedGen C1846367, MONDO:0011819, OMIM 607346.
Cardiovascular phenotype. Identifiers: MedGen CN230736.

Allele frequency attached by ClinVar (database versions not stated): gnomAD exomes below 0.00001; gnomAD 0.00003; TOPMed 0.00003.
gnomAD v4.1: 9 of 1,613,320 alleles (0.00056%); highest among the groups gnomAD compares: African/African-American, 0.0053%; no homozygotes.

Submissions (4):

CeGaT Center for Human Genetics Tuebingen
Classification: Likely benign. Last evaluated: 2026-03-01. Review status: criteria provided, single submitter. Criteria: CeGaT Center For Human Genetics Tuebingen Variant Classification Criteria Version 2. Collection method: clinical testing. Allele origin: germline. Affected: yes. Observed: 1 variant allele.
Comment: KCND3: BP4, BP7

Labcorp Genetics (formerly Invitae), Labcorp
Classification: Likely benign for Spinocerebellar ataxia type 19/22. Last evaluated: 2023-05-30. Review status: criteria provided, single submitter. Criteria: Invitae Variant Classification Sherloc (09022015). Collection method: clinical testing. Allele origin: germline.

Ambry Genetics
Classification: Likely benign for Cardiovascular phenotype. Last evaluated: 2022-12-15. Review status: criteria provided, single submitter. Criteria: Ambry Variant Classification Scheme 2023. Collection method: clinical testing. Allele origin: germline.

Athena Diagnostics
Classification: Uncertain significance. Last evaluated: 2021-05-05. Review status: criteria provided, single submitter. Criteria: Athena Diagnostics criteria. Collection method: clinical testing. Allele origin: unknown.

NM_001378969.1(KCND3):c.1314G>A (p.Ser438=)

Gene: KCND3 (potassium voltage-gated channel subfamily D member 3; minus strand). Cytogenetic location: 1p13.2.
Variant type: single nucleotide variant.
Coding change: c.1314G>A on transcript NM_001378969.1 (MANE Select); coding-DNA position 1314, G replaced by A.
Protein change: p.Ser438=; no amino-acid change (serine 438 retained).
Molecular consequence: synonymous variant.
Genome position (GRCh38, 1-based): chr1:111,780,747, C>T on the plus strand (G>A on the coding strand, the complement: KCND3 is on the minus strand). VCF-style: chr1-111780747-C-T. GRCh37 (hg19) VCF-style: chr1-112323369-C-T.
Other names: c.1314G>A, p.Ser438= (NM_001378970.1, NM_004980.5, NM_172198.3).
Identifiers: ClinVar variation 1256137 (VCV001256137.10), dbSNP rs1247179970, ClinGen allele CA419529832.